The following is an entry in ClinVar:

ClinVar aggregate classification (germline): Pathogenic (1 of 4 stars; one submission).

Conditions:
Autosomal recessive limb-girdle muscular dystrophy type 2A (LGMDR1). Also called: MUSCULAR DYSTROPHY, PELVOFEMORAL; Limb-girdle muscular dystrophy, type 2A; Muscular dystrophy, limb-girdle, type 2A, Amish; LEYDEN-MOEBIUS MUSCULAR DYSTROPHY; Calpainopathy. Identifiers: Orphanet 267, MedGen C1869123, MONDO:0009675, OMIM 253600. Disease mechanism: loss of function.

Submission:

Labcorp Genetics (formerly Invitae), Labcorp
Classification: Pathogenic for Autosomal recessive limb-girdle muscular dystrophy type 2A. Last evaluated: 2018-12-17. Review status: criteria provided, single submitter. Criteria: Invitae Variant Classification Sherloc (09022015). Collection method: clinical testing. Allele origin: germline.
Comment: This variant is not present in population databases (ExAC no frequency). This sequence change creates a premature translational stop signal (p.Asp645Ilefs*17) in the CAPN3 gene. It is expected to result in an absent or disrupted protein product. This variant has not been reported in the literature in individuals with CAPN3-related conditions. For these reasons, this variant has been classified as Pathogenic. Loss-of-function variants in CAPN3 are known to be pathogenic (PMID: 10330340, 15689361).

Literature cited by the submitters: PubMed 10330340; PubMed 15689361.

NM_000070.3(CAPN3):c.1933del (p.Asp645fs)

Gene: CAPN3 (calpain 3; plus strand). Cytogenetic location: 15q15.1.
Variant type: Deletion.
Coding change: c.1933del on transcript NM_000070.3 (MANE Select); coding-DNA position 1933, one base deleted (G; older notation c.1933delG).
Protein change: p.Asp645fs; shifts the reading frame from aspartic acid 645.
Molecular consequence: frameshift variant. On other transcripts: 5 prime UTR variant (2).
Genome position (GRCh38, 1-based): chr15:42,409,321, G deleted. VCF-style (leftmost placement, unchanged base first): chr15-42409320-TG-T. GRCh37 (hg19) VCF-style: chr15-42701518-TG-T.
Other names: c.1915del, p.Asp639fs (NM_024344.2); c.1657del, p.Asp553fs (NM_173087.2); c.397del, p.Asp133fs (NM_173088.2); c.-63del (NM_173089.2, NM_173090.2); short protein forms D553fs, D639fs, D645fs, D133fs.
Identifiers: ClinVar variation 663070 (VCV000663070.7), dbSNP rs1595845459, ClinGen allele CA915946552.
Genomic context (GRCh38, chr15:42,409,320, plus strand): 5'-ACCTCTGACCCCTGTGAACCAGTTTTCCTTTGTGCCTCCACAGCCACAGCCTGGCAGCTC[TG>T]ATCAGGAAAGTGAGGAACAGCAACAATTCCGGAACATTTTCAAGCAGATAGCAGGAGATG-3'